The following is an entry in ClinVar:

ClinVar aggregate classification (germline): Likely pathogenic (1 of 4 stars; one submission).

Conditions:
SIN3A-related intellectual disability syndrome. Identifiers: Orphanet 500163, MedGen CN258628, MONDO:0044699.

Submission:

Victorian Clinical Genetics Services, Murdoch Childrens Research Institute
Classification: Likely pathogenic for SIN3A-related intellectual disability syndrome. Last evaluated: 2022-09-02. Review status: criteria provided, single submitter. Criteria: ACMG Guidelines, 2015. Collection method: clinical testing. Allele origin: germline. Inheritance: Autosomal dominant inheritance. Affected: yes.
Comment: Based on the classification scheme VCGS_Germline_v0.6.1, this variant is classified as LIKELY PATHOGENIC. Following criteria are met: 0102 - Loss of function is a known mechanism of disease for this gene. 0107 - This gene is known to be associated with autosomal dominant disease. 0200 - Variant is predicted to result in a missense amino acid change from leucine to proline (exon 15). 0301 - Variant is absent from gnomAD. 0501 - Missense variant consistently predicted to be damaging by in silico tools or highly conserved with a major amino acid change. 0600 - Variant is located in an annotated domain or motif that does not have a well established function (Sin3 super family; NCBI). 0705 - No comparable variants in relevant codon/region have previous evidence for pathogenicity. 0807 - Variant has not previously been reported in a clinical context. 0905 - No published segregation evidence has been identified for this variant. 1007 - No published functional evidence has been identified for this variant. 1204 - De novo variant (parental status not tested but assumed).

NM_001145358.2(SIN3A):c.2378T>C (p.Leu793Pro)

Gene: SIN3A (SIN3 transcription regulator family member A; minus strand). Cytogenetic location: 15q24.2.
Variant type: single nucleotide variant.
Coding change: c.2378T>C on transcript NM_001145358.2 (MANE Select); coding-DNA position 2378, T replaced by C.
Protein change: p.Leu793Pro; replaces leucine 793 with proline.
Molecular consequence: missense variant.
Genome position (GRCh38, 1-based): chr15:75,392,715, A>G on the plus strand (T>C on the coding strand, the complement: SIN3A is on the minus strand). VCF-style: chr15-75392715-A-G. GRCh37 (hg19) VCF-style: chr15-75685056-A-G.
Other names: c.2378T>C, p.Leu793Pro (NM_001145357.2, NM_015477.3); short protein forms L793P.
Identifiers: ClinVar variation 1805618 (VCV001805618.2), dbSNP rs2543076887, ClinGen allele CA393492031.